The following is an entry in ClinVar:

NM_000433.4(NCF2):c.1540T>C (p.Cys514Arg)

Gene: NCF2 (neutrophil cytosolic factor 2; minus strand). Cytogenetic location: 1q25.3.
Variant type: single nucleotide variant.
Coding change: c.1540T>C on transcript NM_000433.4 (MANE Select); coding-DNA position 1540, T replaced by C.
Protein change: p.Cys514Arg; replaces cysteine 514 with arginine.
Molecular consequence: missense variant.
Genome position (GRCh38, 1-based): chr1:183,556,159, A>G on the plus strand (T>C on the coding strand, the complement: NCF2 is on the minus strand). VCF-style: chr1-183556159-A-G. GRCh37 (hg19) VCF-style: chr1-183525294-A-G.
Other names: c.1540T>C, p.Cys514Arg (NM_001127651.3); c.1297T>C, p.Cys433Arg (NM_001190789.2); c.1405T>C, p.Cys469Arg (NM_001190794.2); short protein forms C433R, C469R, C514R.
Identifiers: ClinVar variation 1014364 (VCV001014364.6), dbSNP rs1467304073, ClinGen allele CA343703317.

ClinVar aggregate classification (germline): Uncertain significance (1 of 4 stars; one submission).

Conditions:
Granulomatous disease, chronic, autosomal recessive, cytochrome b-positive, type 2. Also called: GRANULOMATOUS DISEASE, CHRONIC, DUE TO NCF2 DEFICIENCY; Chronic Granulomatous Disease, Autosomal Recessive, Cytochrome b-Positive, Type II; GRANULOMATOUS DISEASE, CHRONIC, AUTOSOMAL RECESSIVE, 2; Chronic granulomatous disease due to deficiency of NCF-2; CGD, AUTOSOMAL RECESSIVE CYTOCHROME b-POSITIVE, TYPE II. Identifiers: Orphanet 379, MedGen C1856245, MONDO:0009310, OMIM 233710.

Allele frequency attached by ClinVar (database versions not stated): gnomAD exomes below 0.00001; TOPMed 0.00001.
gnomAD v4.1: 66 of 1,614,206 alleles (0.0041%); highest among the groups gnomAD compares: Non-Finnish European, 0.0053%; no homozygotes.

Submission:

Labcorp Genetics (formerly Invitae), Labcorp
Classification: Uncertain significance for Granulomatous disease, chronic, autosomal recessive, cytochrome b-positive, type 2. Last evaluated: 2021-08-28. Review status: criteria provided, single submitter. Criteria: Invitae Variant Classification Sherloc (09022015). Collection method: clinical testing. Allele origin: germline.
Comment: This sequence change replaces cysteine with arginine at codon 514 of the NCF2 protein (p.Cys514Arg). The cysteine residue is moderately conserved and there is a large physicochemical difference between cysteine and arginine. This variant is not present in population databases (ExAC no frequency). This variant has not been reported in the literature in individuals affected with NCF2-related conditions. Algorithms developed to predict the effect of missense changes on protein structure and function output the following: SIFT: "Tolerated"; PolyPhen-2: "Benign"; Align-GVGD: "Class C0". The arginine amino acid residue is found in multiple mammalian species, which suggests that this missense change does not adversely affect protein function. In summary, the available evidence is currently insufficient to determine the role of this variant in disease. Therefore, it has been classified as a Variant of Uncertain Significance.